The following is an entry in ClinVar:

NM_003873.7(NRP1):c.2663T>A (p.Met888Lys)

Gene: NRP1 (neuropilin 1; minus strand). Cytogenetic location: 10p11.22.
Variant type: single nucleotide variant.
Coding change: c.2663T>A on transcript NM_003873.7 (MANE Select); coding-DNA position 2663, T replaced by A.
Protein change: p.Met888Lys; replaces methionine 888 with lysine.
Molecular consequence: missense variant. On other transcripts: non-coding transcript variant (1).
Genome position (GRCh38, 1-based): chr10:33,180,185, A>T on the plus strand (T>A on the coding strand, the complement: NRP1 is on the minus strand). VCF-style: chr10-33180185-A-T. GRCh37 (hg19) VCF-style: chr10-33469113-A-T.
Other names: c.2645T>A, p.Met882Lys (NM_001244972.2); c.2642T>A, p.Met881Lys (NM_001244973.2); c.2612T>A, p.Met871Lys (NM_001330068.2); short protein forms M871K, M881K, M882K, M888K.
Identifiers: ClinVar variation 4994344 (VCV004994344.1).

ClinVar aggregate classification (germline): Uncertain significance (1 of 4 stars; one submission).

Conditions:
NRP1-related disorder. Also called: NRP1-related condition.

Submission:

PreventionGenetics, part of Exact Sciences
Classification: Uncertain significance for NRP1-related condition. Last evaluated: 2026-07-16. Review status: criteria provided, single submitter. Criteria: ACMG Guidelines, 2015. Collection method: clinical testing. Allele origin: germline.
Comment: The NRP1 c.2663T>A variant is predicted to result in the amino acid substitution p.Met888Lys. To our knowledge, this variant has not been reported in the literature or in a large population database (gnomAD), indicating this variant is rare. At this time, the clinical significance of this variant is uncertain due to the absence of conclusive functional and genetic evidence.